The following is an entry in ClinVar:

NM_000020.3(ACVRL1):c.1231_1246+4dup

Gene: ACVRL1 (activin A receptor like type 1; plus strand). Cytogenetic location: 12q13.13.
Variant type: Duplication.
Coding change: c.1231_1246+4dup on transcript NM_000020.3 (MANE Select); coding-DNA position 1231 through 4 bases into the intron after coding-DNA position 1246, 20 bases duplicated (CGGACCATCGTGAATGGTGA).
Molecular consequence: splice donor variant.
Genome position (GRCh38, 1-based): chr12:51,916,218-51,916,237, CGGACCATCGTGAATGGTGA duplicated. VCF-style (leftmost placement, unchanged base first): chr12-51916217-C-CCGGACCATCGTGAATGGTGA. GRCh37 (hg19) VCF-style: chr12-52310001-C-CCGGACCATCGTGAATGGTGA.
Other names: c.1231_1246+4dup (NM_001077401.2).
Identifiers: ClinVar variation 860034 (VCV000860034.9), dbSNP rs1940838178, ClinGen allele CA916081673.

ClinVar aggregate classification (germline): Likely pathogenic (1 of 4 stars; one submission).

Conditions:
Telangiectasia, hereditary hemorrhagic, type 2 (HHT2). Also called: ACVRL1-Related Hereditary Hemorrhagic Telangiectasia; Telangiectasia, hereditary hemorrhagic, type II. Identifiers: Orphanet 774, MedGen C1838163, MONDO:0010880, OMIM 600376. Disease mechanism: loss of function.

Submission:

Labcorp Genetics (formerly Invitae), Labcorp
Classification: Likely pathogenic for Telangiectasia, hereditary hemorrhagic, type 2. Last evaluated: 2019-12-27. Review status: criteria provided, single submitter. Criteria: Invitae Variant Classification Sherloc (09022015). Collection method: clinical testing. Allele origin: germline.
Comment: This variant has been observed to segregate with clinical features of hereditary hemorrhagic telangiectasia in a family (PMID: Invitae). In summary, the currently available evidence indicates that the variant is pathogenic, but additional data are needed to prove that conclusively. Therefore, this variant has been classified as Likely Pathogenic. Nucleotide substitutions within the consensus splice site are a relatively common cause of aberrant splicing (PMID: 17576681, 9536098). Algorithms developed to predict the effect of sequence changes on RNA splicing suggest that this variant may disrupt the consensus splice site, but this prediction has not been confirmed by published transcriptional studies. This variant is not present in population databases (ExAC no frequency). This sequence change falls in intron 8 of the ACVRL1 gene. It does not directly change the encoded amino acid sequence of the ACVRL1 protein, but it affects a nucleotide within the consensus splice site of the intron.

Literature cited by the submitters: PubMed 17576681; PubMed 9536098.